The following is an entry in ClinVar:

ClinVar aggregate classification (germline): Conflicting classifications of pathogenicity. Review status: criteria provided, conflicting classifications (1 of 4 stars). 6 submissions from 6 submitters: Uncertain significance (5); Likely benign (1). Last evaluated 2025-12-16.

Conditions:
SMARCA4-related disorder. Also called: SMARCA4-related condition.
Hereditary cancer-predisposing syndrome. Also called: Neoplastic Syndromes, Hereditary; Tumor predisposition; Hereditary Cancer Syndrome; Hereditary neoplastic syndrome. Identifiers: Orphanet 140162, MedGen C0027672, MeSH D009386, MONDO:0015356.
Intellectual disability, autosomal dominant 16 (CSS4). Also called: COFFIN-SIRIS SYNDROME 4. Identifiers: Orphanet 1465, MedGen C3553249, MONDO:0013821, OMIM 614609.
Rhabdoid tumor predisposition syndrome 2 (RTPS2). Identifiers: Orphanet 231108, Orphanet 69077, MedGen C2750074, MONDO:0013224, OMIM 613325.

Allele frequency attached by ClinVar (database versions not stated): gnomAD 0.00001; gnomAD exomes 0.00001 and 0.00002; TOPMed 0.00003.
gnomAD v4.1: 31 of 1,582,714 alleles (0.002%); highest among the groups gnomAD compares: Non-Finnish European, 0.0023%; no homozygotes.

Submissions (6):

Labcorp Genetics (formerly Invitae), Labcorp
Classification: Uncertain significance for Rhabdoid tumor predisposition syndrome 2. Last evaluated: 2025-12-16. Review status: criteria provided, single submitter. Criteria: Invitae Variant Classification Sherloc (09022015). Collection method: clinical testing. Allele origin: germline.
Comment: This sequence change replaces lysine, which is basic and polar, with glutamine, which is neutral and polar, at codon 74 of the SMARCA4 protein (p.Lys74Gln). This variant is present in population databases (no rsID available, gnomAD 0.001%). This variant has not been reported in the literature in individuals affected with SMARCA4-related conditions. ClinVar contains an entry for this variant (Variation ID: 408602). An algorithm developed to predict the effect of missense changes on protein structure and function (PolyPhen-2) suggests that this variant is likely to be disruptive. In summary, the available evidence is currently insufficient to determine the role of this variant in disease. Therefore, it has been classified as a Variant of Uncertain Significance.

PreventionGenetics, part of Exact Sciences
Classification: Uncertain significance for SMARCA4-related condition. Last evaluated: 2025-10-15. Review status: criteria provided, single submitter. Criteria: ACMG Guidelines, 2015. Collection method: clinical testing. Allele origin: germline.
Comment: The SMARCA4 c.220A>C variant is predicted to result in the amino acid substitution p.Lys74Gln. To our knowledge, this variant has not been reported in the literature. This variant is reported in 0.0012% of alleles in individuals of European (Non-Finnish) descent in gnomAD and has conflicting interpretations of pathogenicity in ClinVar of uncertain significance and likely benign (Variation ID: 408602). At this time, the clinical significance of this variant is uncertain due to the absence of conclusive functional and genetic evidence.

Quest Diagnostics Nichols Institute San Juan Capistrano
Classification: Uncertain significance. Last evaluated: 2025-02-13. Review status: criteria provided, single submitter. Criteria: Quest Diagnostics criteria. Collection method: clinical testing. Allele origin: unknown.
Comment: The SMARCA4 c.220A>C (p.Lys74Gln) variant has not been reported in individuals with SMARCA4-related conditions in the published literature. The frequency of this variant in the general population (Genome Aggregation Database) is uninformative in the assessment of its pathogenicity. Analysis of this variant using bioinformatics tools for the prediction of the effect of amino acid changes on protein structure and function yielded conflicting predictions that this variant is benign or damaging. Based on the available information, we are unable to determine the clinical significance of this variant.

Baylor Genetics
Classification: Uncertain significance for Rhabdoid tumor predisposition syndrome 2. Last evaluated: 2023-09-29. Review status: criteria provided, single submitter. Criteria: ACMG Guidelines, 2015. Collection method: clinical testing. Allele origin: unknown.

Genome-Nilou Lab
Classification: Uncertain significance for Intellectual disability, autosomal dominant 16. Last evaluated: 2021-07-15. Review status: criteria provided, single submitter. Criteria: ACMG Guidelines, 2015. Collection method: clinical testing. Allele origin: germline. Affected: no.

Ambry Genetics
Classification: Likely benign for Hereditary cancer-predisposing syndrome. Last evaluated: 2021-03-16. Review status: criteria provided, single submitter. Criteria: Ambry Variant Classification Scheme 2023. Collection method: clinical testing. Allele origin: germline.

NM_003072.5(SMARCA4):c.220A>C (p.Lys74Gln)

Gene: SMARCA4 (SWI/SNF related BAF chromatin remodeling complex subunit ATPase 4; plus strand). Cytogenetic location: 19p13.2.
Variant type: single nucleotide variant.
Coding change: c.220A>C on transcript NM_003072.5 (MANE Select); coding-DNA position 220, A replaced by C.
Protein change: p.Lys74Gln; replaces lysine 74 with glutamine.
Molecular consequence: missense variant. On other transcripts: non-coding transcript variant (1).
Genome position (GRCh38, 1-based): chr19:10,984,371, A>C. VCF-style: chr19-10984371-A-C. GRCh37 (hg19) VCF-style: chr19-11095047-A-C.
Other names: c.220A>C, p.Lys74Gln (NM_001128844.3, NM_001128845.2, NM_001128846.2 and 5 more transcripts); short protein forms K74Q.
Identifiers: ClinVar variation 408602 (VCV000408602.19), dbSNP rs1060502059, ClinGen allele CA16615849.